The following is an entry in ClinVar:

ClinVar aggregate classification (germline): Uncertain significance (1 of 4 stars; one submission).

Conditions:
Hereditary cancer-predisposing syndrome. Also called: Hereditary Cancer Syndrome; Hereditary neoplastic syndrome; Neoplastic Syndromes, Hereditary; Tumor predisposition. Identifiers: Orphanet 140162, MedGen C0027672, MeSH D009386, MONDO:0015356.

Submission:

Ambry Genetics
Classification: Uncertain significance for Hereditary cancer-predisposing syndrome. Last evaluated: 2025-07-01. Review status: criteria provided, single submitter. Criteria: Ambry Variant Classification Scheme 2023. Collection method: clinical testing. Allele origin: germline.
Comment: The p.K261R variant (also known as c.782A>G), located in coding exon 7 of the EGFR gene, results from an A to G substitution at nucleotide position 782. The lysine at codon 261 is replaced by arginine, an amino acid with highly similar properties. This amino acid position is highly conserved in available vertebrate species. In addition, the in silico prediction for this alteration is inconclusive. Based on the available evidence, the clinical significance of this variant remains unclear.

NM_005228.5(EGFR):c.782A>G (p.Lys261Arg)

Gene: EGFR (epidermal growth factor receptor; plus strand). Cytogenetic location: 7p11.2.
Variant type: single nucleotide variant.
Coding change: c.782A>G on transcript NM_005228.5 (MANE Select); coding-DNA position 782, A replaced by G.
Protein change: p.Lys261Arg; replaces lysine 261 with arginine.
Molecular consequence: missense variant. On other transcripts: intron variant (1).
Genome position (GRCh38, 1-based): chr7:55,154,045, A>G. VCF-style: chr7-55154045-A-G. GRCh37 (hg19) VCF-style: chr7-55221738-A-G.
Other names: c.647A>G, p.Lys216Arg (NM_001346897.2, NM_001346899.2); c.782A>G, p.Lys261Arg (NM_001346898.2, NM_201282.2, NM_201283.2 and 1 more transcripts); c.623A>G, p.Lys208Arg (NM_001346900.2); c.89-1785A>G (NM_001346941.2); short protein forms K261R, K208R, K216R.
Identifiers: ClinVar variation 4247270 (VCV004247270.1).